The following is an entry in ClinVar:

NM_000035.4(ALDOB):c.43del (p.Glu15fs)

Gene: ALDOB (aldolase, fructose-bisphosphate B; minus strand). Cytogenetic location: 9q31.1.
Variant type: Deletion.
Coding change: c.43del on transcript NM_000035.4 (MANE Select); coding-DNA position 43, one base deleted (G; older notation c.43delG).
Protein change: p.Glu15fs; shifts the reading frame from glutamic acid 15.
Molecular consequence: frameshift variant.
Genome position (GRCh38, 1-based): chr9:101,430,845, C deleted on the plus strand (G on the coding strand, the reverse complement: ALDOB is on the minus strand); the first of 2 consecutive C bases (chr9:101,430,845-101,430,846); deleting either gives the same sequence. VCF-style (leftmost placement, unchanged base first): chr9-101430844-TC-T. GRCh37 (hg19) VCF-style: chr9-104193126-TC-T.
Other names: short protein forms E15fs.
Identifiers: ClinVar variation 945121 (VCV000945121.14), dbSNP rs1831209087, ClinGen allele CA1139661097.

ClinVar aggregate classification (germline): Pathogenic/Likely pathogenic. Review status: criteria provided, multiple submitters, no conflicts (2 of 4 stars). 3 submissions from 3 submitters: Pathogenic (1); Likely pathogenic (2). Last evaluated 2024-05-18.

Conditions:
Hereditary fructosuria. Also called: ALDOB DEFICIENCY; ALDOLASE B DEFICIENCY; FRUCTOSE-1,6-BISPHOSPHATE ALDOLASE B DEFICIENCY; FRUCTOSE-1-PHOSPHATE ALDOLASE DEFICIENCY; FRUCTOSEMIA; Fructose intolerance. Identifiers: Orphanet 469, MedGen C0016751, MONDO:0009249, OMIM 229600, HP:0005973. Disease mechanism: loss of function.

Submissions (3):

Fulgent Genetics
Classification: Likely pathogenic for Hereditary fructosuria. Last evaluated: 2024-05-18. Review status: criteria provided, single submitter. Criteria: ACMG Guidelines, 2015. Collection method: clinical testing. Allele origin: germline.

Labcorp Genetics (formerly Invitae), Labcorp
Classification: Pathogenic for Hereditary fructosuria. Last evaluated: 2021-12-19. Review status: criteria provided, single submitter. Criteria: Invitae Variant Classification Sherloc (09022015). Collection method: clinical testing. Allele origin: germline.
Comment: This sequence change creates a premature translational stop signal (p.Glu15Serfs*23) in the ALDOB gene. It is expected to result in an absent or disrupted protein product. Loss-of-function variants in ALDOB are known to be pathogenic (PMID: 18541450). This variant is not present in population databases (gnomAD no frequency). This variant has not been reported in the literature in individuals affected with ALDOB-related conditions. ClinVar contains an entry for this variant (Variation ID: 945121). For these reasons, this variant has been classified as Pathogenic.

Juno Genomics, Hangzhou Juno Genomics, Inc
Classification: Likely pathogenic for Hereditary fructosuria. Review status: criteria provided, single submitter. Criteria: ACMG Guidelines, 2015. Collection method: clinical testing. Allele origin: germline.
Comment: Null variant in a gene where loss of function (LOF) is a known mechanism of disease.;Absent from controls (or at extremely low frequency if recessive) in Genome Aggregation Database.

Literature cited by the submitters: PubMed 18541450 (cited by Labcorp Genetics (formerly Invitae), Labcorp).